The following is an entry in ClinVar:

NM_000784.4(CYP27A1):c.62G>A (p.Cys21Tyr)

Gene: CYP27A1 (cytochrome P450 family 27 subfamily A member 1; plus strand). Cytogenetic location: 2q35.
Variant type: single nucleotide variant.
Coding change: c.62G>A on transcript NM_000784.4 (MANE Select); coding-DNA position 62, G replaced by A.
Protein change: p.Cys21Tyr; replaces cysteine 21 with tyrosine.
Molecular consequence: missense variant.
Genome position (GRCh38, 1-based): chr2:218,782,244, G>A. VCF-style: chr2-218782244-G-A. GRCh37 (hg19) VCF-style: chr2-219646967-G-A.
Other names: short protein forms C21Y.
Identifiers: ClinVar variation 1518216 (VCV001518216.7), dbSNP rs757653354, ClinGen allele CA2112507.

ClinVar aggregate classification (germline): Uncertain significance (1 of 4 stars; one submission).

Conditions:
Cholestanol storage disease (CTX). Also called: CTX: Cerebrotendinous xanthomatosis; Cerebrotendinous Xanthomatosis; CEREBRAL CHOLESTERINOSIS. Identifiers: Orphanet 909, MedGen C0238052, MONDO:0008948, OMIM 213700.

Allele frequency attached by ClinVar (database versions not stated): gnomAD exomes below 0.00001 and 0.00001; TOPMed 0.00002.
gnomAD v4.1: 2 of 1,549,878 alleles (0.00013%); highest among the groups gnomAD compares: Admixed American, 0.0039%; no homozygotes.

Submission:

Labcorp Genetics (formerly Invitae), Labcorp
Classification: Uncertain significance for Cholestanol storage disease. Last evaluated: 2025-01-06. Review status: criteria provided, single submitter. Criteria: Invitae Variant Classification Sherloc (09022015). Collection method: clinical testing. Allele origin: germline.
Comment: This sequence change replaces cysteine, which is neutral and slightly polar, with tyrosine, which is neutral and polar, at codon 21 of the CYP27A1 protein (p.Cys21Tyr). This variant is present in population databases (rs757653354, gnomAD 0.004%). This variant has not been reported in the literature in individuals affected with CYP27A1-related conditions. ClinVar contains an entry for this variant (Variation ID: 1518216). Invitae Evidence Modeling of protein sequence and biophysical properties (such as structural, functional, and spatial information, amino acid conservation, physicochemical variation, residue mobility, and thermodynamic stability) has been performed for this missense variant. However, the output from this modeling did not meet the statistical confidence thresholds required to predict the impact of this variant on CYP27A1 protein function. In summary, the available evidence is currently insufficient to determine the role of this variant in disease. Therefore, it has been classified as a Variant of Uncertain Significance.